The following is an entry in ClinVar:

NC_000009.11:g.(?_119460022)_(119495822_?)del

Genes: ASTN2 (astrotactin 2; minus strand), TRIM32 (tripartite motif containing 32; plus strand). Cytogenetic location: 9q33.1.
Variant type: Deletion.
Identifiers: ClinVar variation 3245164 (VCV003245164.1).

ClinVar aggregate classification (germline): Pathogenic (1 of 4 stars; one submission).

Conditions:
Bardet-Biedl syndrome (BBS). Identifiers: Orphanet 110, MedGen C0752166, MONDO:0015229.

Submission:

Labcorp Genetics (formerly Invitae), Labcorp
Classification: Pathogenic for Bardet-Biedl syndrome. Last evaluated: 2024-01-25. Review status: criteria provided, single submitter. Criteria: Invitae Variant Classification Sherloc (09022015). Collection method: clinical testing. Allele origin: unknown.
Comment: A gross deletion of the genomic region encompassing the full coding sequence of the TRIM32 gene has been identified. Loss-of-function variants in TRIM32 are known to be pathogenic (PMID: 23541687). The boundaries of this event are unknown as they extend beyond the assayed region for this gene and therefore may encompass additional genes. A similar copy number variant has been observed in individuals with limb girdle muscular dystrophy (PMID: 23541687, 25351777; Invitae). For these reasons, this variant has been classified as Pathogenic.

Literature cited by the submitters: PubMed 23541687; PubMed 25351777.